The following is an entry in ClinVar:

ClinVar aggregate classification (germline): Likely benign (0 of 4 stars; one submission).

Conditions:
SPECC1L-related disorder. Also called: SPECC1L-related condition.

Allele frequency attached by ClinVar (database versions not stated): TOPMed 0.00007; ESP Exome Variant Server 0.00008; gnomAD 0.00009; ExAC 0.00012; gnomAD exomes 0.00023.
gnomAD v4.1: 334 of 1,614,152 alleles (0.021%); highest among the groups gnomAD compares: Non-Finnish European, 0.028%; no homozygotes.

Submission:

PreventionGenetics, part of Exact Sciences
Classification: Likely benign for SPECC1L-related condition. Last evaluated: 2021-08-04. Review status: no assertion criteria provided. Collection method: clinical testing. Allele origin: germline.
Comment: This variant is classified as likely benign based on ACMG/AMP sequence variant interpretation guidelines (Richards et al. 2015 PMID: 25741868, with internal and published modifications).

NM_015330.6(SPECC1L):c.351A>G (p.Lys117=)

Genes: SPECC1L (sperm antigen with calponin homology and coiled-coil domains 1 like; plus strand), SPECC1L-ADORA2A (SPECC1L-ADORA2A readthrough (NMD candidate); plus strand). Cytogenetic location: 22q11.23.
Variant type: single nucleotide variant.
Coding change: c.351A>G on transcript NM_015330.6 (MANE Select); coding-DNA position 351, A replaced by G.
Protein change: p.Lys117=; no amino-acid change (lysine 117 retained).
Molecular consequence: synonymous variant. On other transcripts: non-coding transcript variant (1).
Genome position (GRCh38, 1-based): chr22:24,321,331, A>G. VCF-style: chr22-24321331-A-G. GRCh37 (hg19) VCF-style: chr22-24717299-A-G.
Other names: c.351A>G, p.Lys117= (NM_001145468.4, NM_001254732.3).
Identifiers: ClinVar variation 3046294 (VCV003046294.2), dbSNP rs201527235, ClinGen allele CA10151944.